The following is an entry in ClinVar:

NM_005327.7(HADH):c.546+9G>A

Gene: HADH (hydroxyacyl-CoA dehydrogenase; plus strand). Cytogenetic location: 4q25.
Variant type: single nucleotide variant.
Coding change: c.546+9G>A on transcript NM_005327.7 (MANE Select); 9 bases into the intron after coding-DNA position 546, G replaced by A.
Molecular consequence: intron variant.
Genome position (GRCh38, 1-based): chr4:108,019,675, G>A. VCF-style: chr4-108019675-G-A. GRCh37 (hg19) VCF-style: chr4-108940831-G-A.
Other names: c.546+9G>A (NM_001184705.2, NM_001184705.4); c.558+9G>A (NM_001331027.2).
Identifiers: ClinVar variation 2194187 (VCV002194187.7), dbSNP rs763621744, ClinGen allele CA3037493.
Genomic context (GRCh38, chr4:108,019,675, plus strand): 5'-ATTCGCTGGCCTCCATTTCTTCAACCCAGTGCCTGTCATGAAACTTGTGGAGGTCAGTGG[G>A]TGTCAGCTTGTGTGTGTCTGCCCGCTCTGCCAGCTCTCTCAGTCCTGCTTTTCTGTGTTA-3'

ClinVar aggregate classification (germline): Likely benign. Review status: criteria provided, multiple submitters, no conflicts (2 of 4 stars). 3 submissions from 3 submitters: Likely benign (2). 1 of the submissions does not count toward it. Last evaluated 2025-09-25.

Conditions:
HADH-related disorder. Also called: HADH-related condition.
Deficiency of 3-hydroxyacyl-CoA dehydrogenase. Also called: HADH DEFICIENCY; 3-hydroxyacyl-CoA dehydrogenase deficiency. Identifiers: Orphanet 309127, Orphanet 71212, MedGen C1291230, MONDO:0017715, OMIM 231530.

Allele frequency attached by ClinVar (database versions not stated): gnomAD 0.00001; gnomAD exomes 0.00003; TOPMed 0.00003; ExAC 0.00005.
gnomAD v4.1: 53 of 1,613,802 alleles (0.0033%); highest among the groups gnomAD compares: East Asian, 0.062%; no homozygotes.

Submissions (3):

Labcorp Genetics (formerly Invitae), Labcorp
Classification: Likely benign for Deficiency of 3-hydroxyacyl-CoA dehydrogenase. Last evaluated: 2025-09-25. Review status: criteria provided, single submitter. Criteria: Invitae Variant Classification Sherloc (09022015). Collection method: clinical testing. Allele origin: germline.

Blueprint Genetics
Classification: Likely benign. Last evaluated: 2023-12-28. Review status: criteria provided, single submitter. Criteria: ACMG Guidelines, 2015. Collection method: clinical testing. Allele origin: germline.

PreventionGenetics, part of Exact Sciences
Classification: Likely benign for HADH-related condition. Last evaluated: 2019-06-18. Review status: no assertion criteria provided. Collection method: clinical testing. Allele origin: germline. Not counted in ClinVar's aggregate classification.
Comment: This variant is classified as likely benign based on ACMG/AMP sequence variant interpretation guidelines (Richards et al. 2015 PMID: 25741868, with internal and published modifications).